The following is an entry in ClinVar:

ClinVar aggregate classification (germline): Likely pathogenic (1 of 4 stars; one submission).

Conditions:
Autosomal recessive limb-girdle muscular dystrophy. Identifiers: Orphanet 102015, MedGen C2931907, MONDO:0015152.

Submission:

Myriad Genetics, Inc.
Classification: Likely pathogenic for Autosomal recessive limb-girdle muscular dystrophy. Last evaluated: 2019-05-12. Review status: criteria provided, single submitter. Criteria: Myriad Autosomal Dominant, Autosomal Recessive and X-Linked Classification Criteria (2023). Collection method: clinical testing. Allele origin: unknown.
Comment: NM_003494.3(DYSF):c.5179G>T(E1727*) is expected to be pathogenic in the context of dysferlinopathy. This variant is predicted to lead to an abnormal or absent protein product due to the creation of a premature termination codon in DYSF, a gene where loss-of-function variants are known to be pathogenic. Please note: this variant was assessed in the context of healthy population screening.

NM_001130987.2(DYSF):c.5296G>T (p.Glu1766Ter)

Gene: DYSF (dysferlin; plus strand). Cytogenetic location: 2p13.2.
Variant type: single nucleotide variant.
Coding change: c.5296G>T on transcript NM_001130987.2 (MANE Select); coding-DNA position 5296, G replaced by T.
Protein change: p.Glu1766Ter; replaces glutamic acid 1766 with a stop codon.
Molecular consequence: nonsense.
Genome position (GRCh38, 1-based): chr2:71,665,283, G>T. VCF-style: chr2-71665283-G-T. GRCh37 (hg19) VCF-style: chr2-71892413-G-T.
Other names: c.5182G>T, p.Glu1728Ter (NM_001130455.2); c.5137G>T, p.Glu1713Ter (NM_001130976.2); c.5200G>T, p.Glu1734Ter (NM_001130977.2); c.5242G>T, p.Glu1748Ter (NM_001130978.2); c.5272G>T, p.Glu1758Ter (NM_001130979.2); c.5230G>T, p.Glu1744Ter (NM_001130980.2); c.5293G>T, p.Glu1765Ter (NM_001130981.2); c.5275G>T, p.Glu1759Ter (NM_001130982.2); and 5 more; short protein forms E1713*, E1714*, E1727*, E1728*, E1734*, E1735*, E1744*, E1745*.
Identifiers: ClinVar variation 984246 (VCV000984246.4), dbSNP rs2094975881, ClinGen allele CA347221149.